The following is an entry in ClinVar:

ClinVar aggregate classification (germline): Uncertain significance (1 of 4 stars; one submission).

Submission:

Labcorp Genetics (formerly Invitae), Labcorp
Classification: Uncertain significance. Last evaluated: 2025-06-11. Review status: criteria provided, single submitter. Criteria: Invitae Variant Classification Sherloc (09022015). Collection method: clinical testing. Allele origin: germline.
Comment: This sequence change replaces serine, which is neutral and polar, with alanine, which is neutral and non-polar, at codon 399 of the ZIC1 protein (p.Ser399Ala). This variant is not present in population databases (gnomAD no frequency). This variant has not been reported in the literature in individuals affected with ZIC1-related conditions. Invitae Evidence Modeling of protein sequence and biophysical properties (such as structural, functional, and spatial information, amino acid conservation, physicochemical variation, residue mobility, and thermodynamic stability) indicates that this missense variant is not expected to disrupt ZIC1 protein function with a negative predictive value of 80%. In summary, the available evidence is currently insufficient to determine the role of this variant in disease. Therefore, it has been classified as a Variant of Uncertain Significance.

NM_003412.4(ZIC1):c.1195T>G (p.Ser399Ala)

Gene: ZIC1 (Zic family zinc finger 1; plus strand). Cytogenetic location: 3q24.
Variant type: single nucleotide variant.
Coding change: c.1195T>G on transcript NM_003412.4 (MANE Select); coding-DNA position 1195, T replaced by G.
Protein change: p.Ser399Ala; replaces serine 399 with alanine.
Molecular consequence: missense variant.
Genome position (GRCh38, 1-based): chr3:147,413,402, T>G. VCF-style: chr3-147413402-T-G. GRCh37 (hg19) VCF-style: chr3-147131189-T-G.
Other names: short protein forms S399A.
Identifiers: ClinVar variation 4744864 (VCV004744864.1).
Genomic context (GRCh38, chr3:147,413,402, plus strand): 5'-TTATTCCTGCAGGTCCACGAATCCTCCTCGCAGGGCTCGCAGCCTTCGCCGGCCGCCAGC[T>G]CTGGCTACGAATCCTCCACGCCTCCCACCATCGTGTCTCCCTCCACAGACAACCCGACCA-3'
Protein context (NP_003403.2, residues 389-409): QGSQPSPAAS[Ser399Ala]GYESSTPPTI